The following is an entry in ClinVar:

NM_001161352.2(KCNMA1):c.1127G>T (p.Gly376Val)

Gene: KCNMA1 (potassium calcium-activated channel subfamily M alpha 1; minus strand). Cytogenetic location: 10q22.3.
Variant type: single nucleotide variant.
Coding change: c.1127G>T on transcript NM_001161352.2 (MANE Select); coding-DNA position 1127, G replaced by T.
Protein change: p.Gly376Val; replaces glycine 376 with valine.
Molecular consequence: missense variant.
Genome position (GRCh38, 1-based): chr10:77,110,177, C>A on the plus strand (G>T on the coding strand, the complement: KCNMA1 is on the minus strand). VCF-style: chr10-77110177-C-A. GRCh37 (hg19) VCF-style: chr10-78869935-C-A.
Other names: c.1127G>T, p.Gly376Val (NM_001014797.3, NM_001161353.2, NM_001271519.2 and 8 more transcripts); c.965G>T, p.Gly322Val (NM_001271518.2); c.587G>T, p.Gly196Val (NM_001322838.2); short protein forms G196V, G322V, G376V.
Identifiers: ClinVar variation 3368822 (VCV003368822.2).

ClinVar aggregate classification (germline): Likely pathogenic. Review status: criteria provided, multiple submitters, no conflicts (2 of 4 stars). 2 submissions from 2 submitters: Likely pathogenic (2). Last evaluated 2025-07-02.

Conditions:
KCNMA1-related disorder. Also called: KCNMA1-related disorders; KCNMA1-related condition.

Submissions (2):

GeneDx
Classification: Likely pathogenic. Last evaluated: 2025-07-02. Review status: criteria provided, single submitter. Criteria: GeneDx Variant Classification Process June 2021. Collection method: clinical testing. Allele origin: germline.
Comment: Not observed at significant frequency in large population cohorts (gnomAD); In silico analysis supports a deleterious effect on splicing; In silico analysis supports that this missense variant has a deleterious effect on protein structure/function; Has not been previously published as pathogenic or benign to our knowledge

Blueprint Genetics
Classification: Likely pathogenic for KCNMA1-related disorders. Last evaluated: 2022-11-29. Review status: criteria provided, single submitter. Criteria: ACMG Guidelines, 2015. Collection method: clinical testing. Allele origin: germline. Affected: yes. Observed: 1 variant allele.